The following is an entry in ClinVar:

ClinVar aggregate classification (germline): Uncertain significance (1 of 4 stars; one submission).

Conditions:
Atrioventricular septal defect, susceptibility to, 2. Identifiers: MedGen C1853508, MONDO:0011650, OMIM 606217.

Allele frequency attached by ClinVar (database versions not stated): gnomAD 0.00002; ExAC 0.00003; ESP Exome Variant Server 0.00015.

Submission:

Labcorp Genetics (formerly Invitae), Labcorp
Classification: Uncertain significance for Atrioventricular septal defect, susceptibility to, 2. Last evaluated: 2024-03-02. Review status: criteria provided, single submitter. Criteria: Invitae Variant Classification Sherloc (09022015). Collection method: clinical testing. Allele origin: germline.
Comment: This sequence change replaces arginine, which is basic and polar, with histidine, which is basic and polar, at codon 365 of the CRELD1 protein (p.Arg365His). This variant is present in population databases (rs140647459, gnomAD 0.005%). This variant has not been reported in the literature in individuals affected with CRELD1-related conditions. An algorithm developed to predict the effect of missense changes on protein structure and function (PolyPhen-2) suggests that this variant is likely to be tolerated. In summary, the available evidence is currently insufficient to determine the role of this variant in disease. Therefore, it has been classified as a Variant of Uncertain Significance.

NM_001077415.3(CRELD1):c.1049-418G>A

Gene: CRELD1 (CRELD disulfide isomerase 1; plus strand). Cytogenetic location: 3p25.3.
Variant type: single nucleotide variant.
Coding change: c.1049-418G>A on transcript NM_001077415.3 (MANE Select); 418 bases into the intron before coding-DNA position 1049, G replaced by A.
Molecular consequence: intron variant. On other transcripts: missense variant (3), 3 prime UTR variant (1).
Genome position (GRCh38, 1-based): chr3:9,943,947, G>A. VCF-style: chr3-9943947-G-A. GRCh37 (hg19) VCF-style: chr3-9985631-G-A.
Other names: c.1094G>A, p.Arg365His (NM_001031717.4); c.1106G>A, p.Arg369His (NM_001374317.1, NM_001374318.1); c.*196G>A (NM_001410713.1); c.965-418G>A (NM_001374319.1, NM_001374320.1); c.1049-418G>A (NM_001374316.1, NM_015513.6); short protein forms R369H, R365H.
Identifiers: ClinVar variation 2727150 (VCV002727150.3), dbSNP rs140647459, ClinGen allele CA2247928.